The following is an entry in ClinVar:

ClinVar aggregate classification (germline): Likely pathogenic (1 of 4 stars; one submission).

Conditions:
Spongy degeneration of central nervous system. Also called: ACY2 DEFICIENCY; AMINOACYLASE 2 DEFICIENCY; ASP DEFICIENCY; ASPA DEFICIENCY; ASPARTOACYLASE DEFICIENCY; CANAVAN-VAN BOGAERT-BERTRAND DISEASE. Identifiers: Orphanet 141, MedGen C0206307, MONDO:0010079, OMIM 271900.

Submission:

Natera, Inc.
Classification: Likely pathogenic for Canavan Disease. Last evaluated: 2025-05-12. Review status: criteria provided, single submitter. Criteria: Natera Variant Classification Schema (03/2026). Collection method: clinical testing. Allele origin: germline.
Comment: The c.95del variant in ASPA is a frameshift variant predicted to shift the reading frame beginning at codon 32 and leads to a stop codon 4 codons downstream. This variant is expected to result in nonsense mediated decay, truncation, or a dysfunctional protein product. This variant is rare in the general population with a frequency below the threshold expected for the associated phenotype(s). Given the available evidence, this variant is classified as Likely Pathogenic.

NM_000049.4(ASPA):c.95del (p.Lys32fs)

Genes: ASPA (aspartoacylase; plus strand), SPATA22 (spermatogenesis associated 22; minus strand). Cytogenetic location: 17p13.2.
Variant type: Deletion.
Coding change: c.95del on transcript NM_000049.4 (MANE Select); coding-DNA position 95, one base deleted (A; older notation c.95delA).
Protein change: p.Lys32fs; shifts the reading frame from lysine 32.
Molecular consequence: frameshift variant. On other transcripts: intron variant (2).
Genome position (GRCh38, 1-based): chr17:3,476,254, A deleted; the last of 2 consecutive A bases (chr17:3,476,253-3,476,254); deleting either gives the same sequence. VCF-style (leftmost placement, unchanged base first): chr17-3476252-TA-T. GRCh37 (hg19) VCF-style: chr17-3379546-TA-T.
Other names: c.-73-6855del (NM_001321336.2, NM_001321337.2); c.95del, p.Lys32fs (NM_001128085.1); short protein forms K32fs.
Identifiers: ClinVar variation 4062063 (VCV004062063.1).